The following is an entry in ClinVar:

ClinVar aggregate classification (germline): Conflicting classifications of pathogenicity. Review status: criteria provided, conflicting classifications (1 of 4 stars). 6 submissions from 6 submitters: Uncertain significance (5); Likely benign (1). Last evaluated 2025-06-15.

Conditions:
Familial temporal lobe epilepsy 7. Identifiers: Orphanet 101046, MedGen C4225327, MONDO:0014639, OMIM 616436.
RELN-related disorder. Also called: RELN-related condition.
Norman-Roberts syndrome (LIS2). Also called: Lissencephaly 2 (Norman-Roberts type). Identifiers: Orphanet 89844, MedGen C0796089, MONDO:0009760, OMIM 257320.
Inborn genetic diseases. Identifiers: MedGen C0950123, MeSH D030342.

Allele frequency attached by ClinVar (database versions not stated): TOPMed 0.00010; ESP Exome Variant Server 0.00015; 1000 Genomes Project 30x 0.00016; 1000 Genomes Project 0.00020.
gnomAD v4.1: 65 of 1,614,050 alleles (0.004%); highest among the groups gnomAD compares: Middle Eastern, 0.033%; no homozygotes.

Submissions (6):

Labcorp Genetics (formerly Invitae), Labcorp
Classification: Likely benign for Familial temporal lobe epilepsy 7; Norman-Roberts syndrome. Last evaluated: 2025-06-15. Review status: criteria provided, single submitter. Criteria: Invitae Variant Classification Sherloc (09022015). Collection method: clinical testing. Allele origin: germline.

Blueprint Genetics
Classification: Uncertain significance. Last evaluated: 2024-09-26. Review status: criteria provided, single submitter. Criteria: ACMG Guidelines, 2015. Collection method: clinical testing. Allele origin: germline.

PreventionGenetics, part of Exact Sciences
Classification: Uncertain significance for RELN-related condition. Last evaluated: 2023-10-06. Review status: criteria provided, single submitter. Criteria: ACMG Guidelines, 2015. Collection method: clinical testing. Allele origin: germline.
Comment: The RELN c.6146C>T variant is predicted to result in the amino acid substitution p.Ala2049Val. To our knowledge, this variant has not been reported in the literature. This variant is reported in 0.020% of alleles in individuals of African descent in gnomAD. At this time, the clinical significance of this variant is uncertain due to the absence of conclusive functional and genetic evidence.

New York Genome Center
Classification: Uncertain significance. Last evaluated: 2022-02-27. Review status: criteria provided, single submitter. Criteria: NYGC Assertion Criteria 2020. Collection method: clinical testing. Allele origin: germline. Observed: 1 heterozygote. Study: CSER-NYCKidSeq.

Ambry Genetics
Classification: Uncertain significance for Inborn genetic diseases. Last evaluated: 2022-01-12. Review status: criteria provided, single submitter. Criteria: Ambry Variant Classification Scheme 2023. Collection method: clinical testing. Allele origin: germline.

Centre for Mendelian Genomics, University Medical Centre Ljubljana
Classification: Uncertain significance for Familial temporal lobe epilepsy 7. Last evaluated: 2019-04-11. Review status: criteria provided, single submitter. Criteria: ACMG Guidelines, 2015. Collection method: clinical testing. Allele origin: unknown. Affected: yes.
Comment: This variant was classified as: Uncertain significance. The available evidence on this variant's pathogenicity is insufficient or conflicting. The following ACMG criteria were applied in classifying this variant: No criteria apply.

NM_005045.4(RELN):c.6146C>T (p.Ala2049Val)

Gene: RELN (reelin; minus strand). Cytogenetic location: 7q22.1.
Variant type: single nucleotide variant.
Coding change: c.6146C>T on transcript NM_005045.4 (MANE Select); coding-DNA position 6146, C replaced by T.
Protein change: p.Ala2049Val; replaces alanine 2049 with valine.
Molecular consequence: missense variant.
Genome position (GRCh38, 1-based): chr7:103,551,223, G>A on the plus strand (C>T on the coding strand, the complement: RELN is on the minus strand). VCF-style: chr7-103551223-G-A. GRCh37 (hg19) VCF-style: chr7-103191670-G-A.
Other names: c.6146C>T, p.Ala2049Val (NM_173054.3); short protein forms A2049V.
Identifiers: ClinVar variation 852456 (VCV000852456.17), dbSNP rs374232523, ClinGen allele CA4421017.